The following is an entry in ClinVar:

ClinVar aggregate classification (germline): Likely pathogenic (1 of 4 stars; one submission).

Conditions:
Gaucher disease. Also called: Kerasin lipoidosis; Kerasin thesaurismosis; Acute cerebral Gaucher disease; Cerebroside lipidosis syndrome; Gaucher splenomegaly; Sphingolipidosis 1. Identifiers: Orphanet 355, MedGen C0017205, MONDO:0018150.

Submission:

Natera, Inc.
Classification: Likely pathogenic for Gaucher disease. Last evaluated: 2025-01-29. Review status: criteria provided, single submitter. Criteria: Natera Variant Classification Schema (03/2026). Collection method: clinical testing. Allele origin: germline.
Comment: The c.1528del variant in GBA1 is a frameshift variant predicted to elongate the protein beyond the termination codon. This variant is expected to result in nonsense mediated decay, truncation, or a dysfunctional protein product. This variant is rare in the general population with a frequency below the threshold expected for the associated phenotype(s). Given the available evidence, this variant is classified as Likely Pathogenic.

NM_000157.4(GBA1):c.1528del (p.Thr510fs)

Genes: GBA1 (glucosylceramidase beta 1; minus strand), LOC106627981 (GBA recombination region; plus strand). Cytogenetic location: 1q22.
Variant type: Deletion.
Coding change: c.1528del on transcript NM_000157.4 (MANE Select); coding-DNA position 1528, one base deleted (A; older notation c.1528delA).
Protein change: p.Thr510fs; shifts the reading frame from threonine 510.
Molecular consequence: frameshift variant.
Genome position (GRCh38, 1-based): chr1:155,235,078, T deleted on the plus strand (A on the coding strand, the reverse complement: GBA1 is on the minus strand). VCF-style (leftmost placement, unchanged base first): chr1-155235077-GT-G. GRCh37 (hg19) VCF-style: chr1-155204868-GT-G.
Other names: c.1528del, p.Thr510fs (NM_001005741.3, NM_001005742.3); c.1267del, p.Thr423fs (NM_001171811.2); c.1381del, p.Thr461fs (NM_001171812.2); short protein forms T423fs, T461fs, T510fs.
Identifiers: ClinVar variation 4068449 (VCV004068449.2).